The following is an entry in ClinVar:

NM_031844.3(HNRNPU):c.2053A>G (p.Thr685Ala)

Gene: HNRNPU (heterogeneous nuclear ribonucleoprotein U; minus strand). Cytogenetic location: 1q44.
Variant type: single nucleotide variant.
Coding change: c.2053A>G on transcript NM_031844.3 (MANE Select); coding-DNA position 2053, A replaced by G.
Protein change: p.Thr685Ala; replaces threonine 685 with alanine.
Molecular consequence: missense variant.
Genome position (GRCh38, 1-based): chr1:244,856,018, T>C on the plus strand (A>G on the coding strand, the complement: HNRNPU is on the minus strand). VCF-style: chr1-244856018-T-C. GRCh37 (hg19) VCF-style: chr1-245019320-T-C.
Other names: c.1996A>G, p.Thr666Ala (NM_004501.3); c.2053A>G (NM_031844.2); short protein forms T666A, T685A.
Identifiers: ClinVar variation 1550006 (VCV001550006.9), dbSNP rs2102985384, ClinGen allele CA345488090.
Genomic context (GRCh38, chr1:244,856,018, plus strand): 5'-CACCACCTCTGTTAAACTGGTTCTTGCCACTCTTATTTTTATTGCTTTTCTTTGAGCCAG[T>C]GTTCTGTTTCTTTTCTGGTGGAAGAGCCTTTTTGCTTTCTTCCTTATATTGCTCCAAGAG-3'
Protein context (NP_114032.2, residues 675-695): KALPPEKKQN[Thr685Ala]GSKKSNKNKS

ClinVar aggregate classification (germline): Conflicting classifications of pathogenicity. Review status: criteria provided, conflicting classifications (1 of 4 stars). 2 submissions from 2 submitters: Uncertain significance (1); Likely benign (1). Last evaluated 2024-03-04.

Conditions:
Developmental and epileptic encephalopathy, 54. Also called: Epileptic encephalopathy, early infantile, 54; HNRNPU-Related Neurodevelopmental Disorder. Identifiers: MedGen C4479319, MONDO:0033363, OMIM 617391.

Submissions (2):

GeneDx
Classification: Uncertain significance. Last evaluated: 2024-03-04. Review status: criteria provided, single submitter. Criteria: GeneDx Variant Classification Process June 2021. Collection method: clinical testing. Allele origin: germline. Affected: yes.
Comment: Not observed at significant frequency in large population cohorts (gnomAD); In silico analysis supports that this missense variant does not alter protein structure/function; Has not been previously published as pathogenic or benign to our knowledge

Labcorp Genetics (formerly Invitae), Labcorp
Classification: Likely benign for Developmental and epileptic encephalopathy, 54. Last evaluated: 2022-02-20. Review status: criteria provided, single submitter. Criteria: Invitae Variant Classification Sherloc (09022015). Collection method: clinical testing. Allele origin: germline.